The following is an entry in ClinVar:

ClinVar aggregate classification (germline): Conflicting classifications of pathogenicity. Review status: criteria provided, conflicting classifications (1 of 4 stars). 9 submissions from 9 submitters: Uncertain significance (5); Likely benign (2). 2 of the submissions do not count toward it. Last evaluated 2024-02-09.

Conditions:
Breast and/or ovarian cancer. Identifiers: MedGen CN221562.
Familial cancer of breast. Also called: hereditary breast carcinoma; BREAST CANCER, FAMILIAL; Hereditary breast cancer. Identifiers: Orphanet 227535, MedGen C0346153, MONDO:0016419, OMIM 114480. Disease mechanism: loss of function.
Hereditary breast ovarian cancer syndrome. Also called: Hereditary breast and ovarian cancer; Hereditary breast and ovarian cancer syndrome; Hereditary breast and ovarian cancer syndrome (HBOC); Breast and ovarian cancer; Hereditary breast and/or ovarian cancer syndrome; BRCA1- and BRCA2-Associated Hereditary Breast and Ovarian Cancer. Identifiers: Orphanet 145, MedGen C0677776, MeSH D061325, MONDO:0003582. Disease mechanism: loss of function.
Hereditary cancer-predisposing syndrome. Also called: Tumor predisposition; Hereditary Cancer Syndrome; Neoplastic Syndromes, Hereditary; Hereditary neoplastic syndrome. Identifiers: Orphanet 140162, MedGen C0027672, MeSH D009386, MONDO:0015356.
Malignant tumor of breast. Also called: Cancer breast; Malignant breast neoplasm. Identifiers: MedGen C0006142, MONDO:0007254. Disease mechanism: loss of function.

gnomAD v4.1: 2 of 1,613,570 alleles (0.00012%); highest among the groups gnomAD compares: East Asian, 0.0045%; no homozygotes.

Submissions (9):

MGZ Medical Genetics Center
Classification: Likely benign for Familial cancer of breast. Last evaluated: 2024-02-09. Review status: criteria provided, single submitter. Criteria: CSpec BRCA1/2ACMG Rules Specifications V1.1.0. Collection method: clinical testing. Allele origin: germline. Affected: yes.
Comment: ACMG codes applied following ENIGMA VCEP rules: BP1_STR, PM2_SUP

Ambry Genetics
Classification: Uncertain significance for Hereditary cancer-predisposing syndrome. Last evaluated: 2024-01-31. Review status: criteria provided, single submitter. Criteria: Ambry Variant Classification Scheme 2023. Collection method: clinical testing. Allele origin: germline.
Comment: The p.E1038A variant (also known as c.3113A>C), located in coding exon 9 of the BRCA1 gene, results from an A to C substitution at nucleotide position 3113. The glutamic acid at codon 1038 is replaced by alanine, an amino acid with dissimilar properties. This variant was identified in a cohort of 826 unselected Chinese ovarian cancer patients (Wu X et al. Int J Gynecol Cancer, 2017 Oct;27:1650-1657). This amino acid position is not well conserved in available vertebrate species. In addition, the in silico prediction for this alteration is inconclusive. Based on the available evidence, the clinical significance of this alteration remains unclear.

University of Washington Department of Laboratory Medicine, University of Washington
Classification: Likely benign for Hereditary cancer-predisposing syndrome. Last evaluated: 2023-03-23. Review status: criteria provided, single submitter. Criteria: Dines et al. (Genet Med. 2020). Collection method: curation. Allele origin: germline.
Comment: Missense variant in a coldspot region where missense variants are very unlikely to be pathogenic (PMID:31911673).

BRCA1 coldspot (exon 11 using historical exon numbering). Reclassification based on statistical prior probability

Labcorp Genetics (formerly Invitae), Labcorp
Classification: Uncertain significance for Hereditary breast ovarian cancer syndrome. Last evaluated: 2023-03-19. Review status: criteria provided, single submitter. Criteria: Invitae Variant Classification Sherloc (09022015). Collection method: clinical testing. Allele origin: germline.
Comment: In summary, the available evidence is currently insufficient to determine the role of this variant in disease. Therefore, it has been classified as a Variant of Uncertain Significance. Advanced modeling of protein sequence and biophysical properties (such as structural, functional, and spatial information, amino acid conservation, physicochemical variation, residue mobility, and thermodynamic stability) performed at Invitae indicates that this missense variant is not expected to disrupt BRCA1 protein function. ClinVar contains an entry for this variant (Variation ID: 240786). This missense change has been observed in individual(s) with ovarian cancer (PMID: 28692638). This variant is not present in population databases (gnomAD no frequency). This sequence change replaces glutamic acid, which is acidic and polar, with alanine, which is neutral and non-polar, at codon 1038 of the BRCA1 protein (p.Glu1038Ala).

CeGaT Center for Human Genetics Tuebingen
Classification: Uncertain significance. Last evaluated: 2021-08-01. Review status: criteria provided, single submitter. Criteria: CeGaT Center For Human Genetics Tuebingen Variant Classification Criteria Version 2. Collection method: clinical testing. Allele origin: germline. Affected: yes. Observed: 1 variant allele.

Color Diagnostics, LLC DBA Color Health
Classification: Uncertain significance for Hereditary cancer-predisposing syndrome. Last evaluated: 2019-06-07. Review status: criteria provided, single submitter. Criteria: ACMG Guidelines, 2015. Collection method: clinical testing. Allele origin: germline.

Women's Health and Genetics/Laboratory Corporation of America, LabCorp
Classification: Uncertain significance. Last evaluated: 2019-02-19. Review status: criteria provided, single submitter. Criteria: LabCorp Variant Classification Summary - May 2015. Collection method: clinical testing. Allele origin: germline.
Comment: Variant summary: BRCA1 c.3113A>C (p.Glu1038Ala) results in a non-conservative amino acid change in the encoded protein sequence. Four of five in-silico tools predict a damaging effect of the variant on protein function. The variant was absent in 276670 control chromosomes (gnomAD). The available data on variant occurrences in the general population are insufficient to allow any conclusion about variant significance. To our knowledge, no occurrence of c.3113A>C in individuals affected with Hereditary Breast and Ovarian Cancer and no experimental evidence demonstrating its impact on protein function have been reported. Another variant at this position, c.3113A>G causing a different amino acid change, p.Glu1038Gly, has been reported countless times and classified as benign. Two ClinVar submissions from clinical diagnostic laboratories (evaluation after 2014) cite the variant as uncertain significance. Based on the evidence outlined above, the variant was classified as uncertain significance.

Foulkes Cancer Genetics LDI, Lady Davis Institute for Medical Research
Classification: Likely benign for Breast and/or ovarian cancer. Last evaluated: 2013-03-25. Review status: no assertion criteria provided. Collection method: clinical testing. Allele origin: germline. Study: The Canadian Open Genetics Repository (COGR). Not counted in ClinVar's aggregate classification.

Department of Pathology and Laboratory Medicine, Sinai Health System
Classification: Likely benign for Malignant tumor of breast. Review status: no assertion criteria provided. Collection method: clinical testing. Allele origin: unknown. Affected: yes. Study: The Canadian Open Genetics Repository (COGR). Not counted in ClinVar's aggregate classification.
Comment: The p.Glu1038Ala variant has not been identified previously. Another variant impacting the same amino acid (c.3113A>G, p.Glu1038Gly) is a common polymorphism with no clinical significance (Abkevich 2004, Pilato 2010, Balraj 2002, Borg 2010, Diez 2003, and others). The p.Glu1038 residue is not conserved in mammals, and in silico predictions provide inconsistent findings for both p.Glu1038Gly and p.Glu1038Ala variants and this information is not very predictive of pathogenicity. In summary, the clinical significance of this variant cannot be determined with certainty at this time, although we would lean towards a more benign role for this variant. This variant is classified as Predicted Benign.

Literature cited by the submitters: PubMed 28692638 (cited by Ambry Genetics and Labcorp Genetics (formerly Invitae), Labcorp).

NM_007294.4(BRCA1):c.3113A>C (p.Glu1038Ala)

Gene: BRCA1 (BRCA1 DNA repair associated; minus strand). Cytogenetic location: 17q21.31.
Variant type: single nucleotide variant.
Coding change: c.3113A>C on transcript NM_007294.4 (MANE Select); coding-DNA position 3113, A replaced by C.
Protein change: p.Glu1038Ala; replaces glutamic acid 1038 with alanine.
Molecular consequence: missense variant. On other transcripts: intron variant (137).
Genome position (GRCh38, 1-based): chr17:43,092,418, T>G on the plus strand (A>C on the coding strand, the complement: BRCA1 is on the minus strand). VCF-style: chr17-43092418-T-G. GRCh37 (hg19) VCF-style: chr17-41244435-T-G.
Other names: c.2987A>C, p.Glu996Ala (NM_001407670.1, NM_001407671.1, NM_001407672.1 and 11 more transcripts); c.2990A>C, p.Glu997Ala (NM_001407674.1, NM_001407675.1, NM_001407676.1 and 19 more transcripts); c.2972A>C, p.Glu991Ala (NM_001407692.1, NM_001407694.1, NM_001407695.1 and 29 more transcripts); c.2969A>C, p.Glu990Ala (NM_001407740.1, NM_001407741.1, NM_001407742.1 and 20 more transcripts); c.3110A>C, p.Glu1037Ala (NM_001407861.1, NM_001407587.1, NM_001407590.1 and 22 more transcripts); c.2912A>C, p.Glu971Ala (NM_001407862.1); c.2909A>C, p.Glu970Ala (NM_001407874.1, NM_001407875.1); c.2903A>C, p.Glu968Ala (NM_001407879.1, NM_001407881.1, NM_001407882.1 and 13 more transcripts); and 41 more; short protein forms E1038A, E991A, E911A, E967A, E970A, E971A, E1011A, E1012A.
Identifiers: ClinVar variation 240786 (VCV000240786.50), dbSNP rs16941, ClinGen allele CA10583569.